The following is an entry in ClinVar:

NM_018026.4(PACS1):c.2374G>A (p.Ala792Thr)

Gene: PACS1 (phosphofurin acidic cluster sorting protein 1; plus strand). Cytogenetic location: 11q13.2.
Variant type: single nucleotide variant.
Coding change: c.2374G>A on transcript NM_018026.4 (MANE Select); coding-DNA position 2374, G replaced by A.
Protein change: p.Ala792Thr; replaces alanine 792 with threonine.
Molecular consequence: missense variant.
Genome position (GRCh38, 1-based): chr11:66,239,222, G>A. VCF-style: chr11-66239222-G-A. GRCh37 (hg19) VCF-style: chr11-66006693-G-A.
Other names: short protein forms A792T.
Identifiers: ClinVar variation 2421972 (VCV002421972.8), dbSNP rs1855762744, ClinGen allele CA381380131.

ClinVar aggregate classification (germline): Conflicting classifications of pathogenicity. Review status: criteria provided, conflicting classifications (1 of 4 stars). 2 submissions from 2 submitters: Uncertain significance (1); Benign (1). Last evaluated 2025-11-25.

Conditions:
Schuurs-Hoeijmakers syndrome. Also called: PACS1-Related Neurodevelopmental Disorder. Identifiers: Orphanet 329224, MedGen C3554343, MONDO:0014006, OMIM 615009.

Allele frequency attached by ClinVar (database versions not stated): gnomAD exomes below 0.00001.
gnomAD v4.1: 5 of 1,613,826 alleles (0.00031%); highest among the groups gnomAD compares: Admixed American, 0.0017%; no homozygotes.

Submissions (2):

Women's Health and Genetics/Laboratory Corporation of America, LabCorp
Classification: Uncertain significance. Last evaluated: 2025-11-25. Review status: criteria provided, single submitter. Criteria: LabCorp Variant Classification Summary - May 2015. Collection method: clinical testing. Allele origin: germline.
Comment: Variant summary: PACS1 c.2374G>A (p.Ala792Thr) results in a non-conservative amino acid change in the encoded protein sequence. Algorithms developed to predict the effect of missense changes on protein structure and function are either unavailable or do not agree on the potential impact of this missense change. The variant allele was found at a frequency of 3.1e-06 in 1613826 control chromosomes (gnomAD v4). The available data on variant occurrences in the general population are insufficient to allow any conclusion about variant significance. To our knowledge, no occurrence of c.2374G>A in individuals affected with PACS1-related conditions and no experimental evidence demonstrating its impact on protein function have been reported. ClinVar contains an entry for this variant (Variation ID: 2421972). Based on the evidence outlined above, the variant was classified as uncertain significance.

Labcorp Genetics (formerly Invitae), Labcorp
Classification: Benign for Schuurs-Hoeijmakers syndrome. Last evaluated: 2025-09-17. Review status: criteria provided, single submitter. Criteria: Invitae Variant Classification Sherloc (09022015). Collection method: clinical testing. Allele origin: germline.